The following is an entry in ClinVar:

ClinVar aggregate classification (germline): Uncertain significance (1 of 4 stars; one submission).

Conditions:
Glycogen storage disease due to muscle beta-enolase deficiency (GSD13). Also called: Glycogen Storage Disease Type XIII; ENOLASE 3 DEFICIENCY; ENOLASE-BETA DEFICIENCY; GSD XIII. Identifiers: Orphanet 99849, MedGen C2752027, MONDO:0013046, OMIM 612932.

Allele frequency attached by ClinVar (database versions not stated): gnomAD 0.00001; ExAC 0.00003; gnomAD exomes 0.00007.
gnomAD v4.1: 46 of 1,614,250 alleles (0.0028%); highest among the groups gnomAD compares: East Asian, 0.1%; no homozygotes.

Submission:

Labcorp Genetics (formerly Invitae), Labcorp
Classification: Uncertain significance for Glycogen storage disease due to muscle beta-enolase deficiency. Last evaluated: 2022-03-04. Review status: criteria provided, single submitter. Criteria: Invitae Variant Classification Sherloc (09022015). Collection method: clinical testing. Allele origin: germline.
Comment: This sequence change replaces alanine, which is neutral and non-polar, with valine, which is neutral and non-polar, at codon 175 of the ENO3 protein (p.Ala175Val). This variant is present in population databases (rs773334509, gnomAD 0.05%). This variant has not been reported in the literature in individuals affected with ENO3-related conditions. Algorithms developed to predict the effect of missense changes on protein structure and function are either unavailable or do not agree on the potential impact of this missense change (SIFT: "Deleterious"; PolyPhen-2: "Probably Damaging"; Align-GVGD: "Class C0"). In summary, the available evidence is currently insufficient to determine the role of this variant in disease. Therefore, it has been classified as a Variant of Uncertain Significance.

NM_053013.4(ENO3):c.524C>T (p.Ala175Val)

Gene: ENO3 (enolase 3; plus strand). Cytogenetic location: 17p13.2.
Variant type: single nucleotide variant.
Coding change: c.524C>T on transcript NM_053013.4 (MANE Select); coding-DNA position 524, C replaced by T.
Protein change: p.Ala175Val; replaces alanine 175 with valine.
Molecular consequence: missense variant.
Genome position (GRCh38, 1-based): chr17:4,955,154, C>T. VCF-style: chr17-4955154-C-T. GRCh37 (hg19) VCF-style: chr17-4858449-C-T.
Other names: c.395C>T, p.Ala132Val (NM_001193503.2); c.524C>T, p.Ala175Val (NM_001374523.1, NM_001976.5); c.551C>T, p.Ala184Val (NM_001374524.1); short protein forms A184V, A175V, A132V.
Identifiers: ClinVar variation 2184822 (VCV002184822.1), dbSNP rs773334509, ClinGen allele CA8316338.